The following is an entry in ClinVar:

ClinVar aggregate classification (germline): Uncertain significance (1 of 4 stars; one submission).

Conditions:
Immunodeficiency. Identifiers: MedGen C0021051, MONDO:0021094, HP:0002721.

gnomAD v4.1: 6 of 1,614,048 alleles (0.00037%); highest among the groups gnomAD compares: African/African-American, 0.0067%; no homozygotes.

Submission:

Labcorp Genetics (formerly Invitae), Labcorp
Classification: Uncertain significance for Immunodeficiency. Last evaluated: 2024-06-20. Review status: criteria provided, single submitter. Criteria: Invitae Variant Classification Sherloc (09022015). Collection method: clinical testing. Allele origin: germline.
Comment: This sequence change replaces threonine, which is neutral and polar, with alanine, which is neutral and non-polar, at codon 951 of the NFAT5 protein (p.Thr951Ala). This variant is present in population databases (rs140143590, gnomAD 0.008%). This variant has not been reported in the literature in individuals affected with NFAT5-related conditions. An algorithm developed to predict the effect of missense changes on protein structure and function (PolyPhen-2) suggests that this variant is likely to be tolerated. In summary, the available evidence is currently insufficient to determine the role of this variant in disease. Therefore, it has been classified as a Variant of Uncertain Significance.

NM_138713.4(NFAT5):c.3133A>G (p.Thr1045Ala)

Gene: NFAT5 (nuclear factor of activated T cells 5; plus strand). Cytogenetic location: 16q22.1.
Variant type: single nucleotide variant.
Coding change: c.3133A>G on transcript NM_138713.4 (MANE Select); coding-DNA position 3133, A replaced by G.
Protein change: p.Thr1045Ala; replaces threonine 1045 with alanine.
Molecular consequence: missense variant.
Genome position (GRCh38, 1-based): chr16:69,692,958, A>G. VCF-style: chr16-69692958-A-G. GRCh37 (hg19) VCF-style: chr16-69726861-A-G.
Other names: c.3130A>G, p.Thr1044Ala (NM_001113178.3); c.2458A>G, p.Thr820Ala (NM_001367709.1); c.3079A>G, p.Thr1027Ala (NM_006599.4); c.2851A>G, p.Thr951Ala (NM_138714.4, NM_173214.3, NM_173215.3); short protein forms T1044A, T820A, T1045A, T951A, T1027A.
Identifiers: ClinVar variation 3705893 (VCV003705893.2).